The following is an entry in ClinVar:

ClinVar aggregate classification (germline): Uncertain significance (1 of 4 stars; one submission).

Conditions:
Arginine:glycine amidinotransferase deficiency (CCDS3). Also called: Cerebral creatine deficiency syndrome 3; AGAT deficiency; L-Arginine:Glycine Amidinotransferase Deficiency; Creatine deficiency syndrome due to AGAT deficiency; GATM deficiency; L-Arginine:Glycine Amidinotransferase (AGAT) Deficiency. Identifiers: Orphanet 35704, MedGen C2675179, MONDO:0012996, OMIM 612718.

Submission:

Labcorp Genetics (formerly Invitae), Labcorp
Classification: Uncertain significance for Arginine:glycine amidinotransferase deficiency. Last evaluated: 2023-12-12. Review status: criteria provided, single submitter. Criteria: Invitae Variant Classification Sherloc (09022015). Collection method: clinical testing. Allele origin: germline.
Comment: This sequence change replaces alanine, which is neutral and non-polar, with glycine, which is neutral and non-polar, at codon 306 of the GATM protein (p.Ala306Gly). This variant is not present in population databases (gnomAD no frequency). This variant has not been reported in the literature in individuals affected with GATM-related conditions. Advanced modeling of protein sequence and biophysical properties (such as structural, functional, and spatial information, amino acid conservation, physicochemical variation, residue mobility, and thermodynamic stability) performed at Invitae indicates that this missense variant is not expected to disrupt GATM protein function with a negative predictive value of 80%. In summary, the available evidence is currently insufficient to determine the role of this variant in disease. Therefore, it has been classified as a Variant of Uncertain Significance.

NM_001482.3(GATM):c.917C>G (p.Ala306Gly)

Gene: GATM (glycine amidinotransferase; minus strand). Cytogenetic location: 15q21.1.
Variant type: single nucleotide variant.
Coding change: c.917C>G on transcript NM_001482.3 (MANE Select); coding-DNA position 917, C replaced by G.
Protein change: p.Ala306Gly; replaces alanine 306 with glycine.
Molecular consequence: missense variant.
Genome position (GRCh38, 1-based): chr15:45,366,107, G>C on the plus strand (C>G on the coding strand, the complement: GATM is on the minus strand). VCF-style: chr15-45366107-G-C. GRCh37 (hg19) VCF-style: chr15-45658305-G-C.
Other names: c.530C>G, p.Ala177Gly (NM_001321015.2); short protein forms A306G, A177G.
Identifiers: ClinVar variation 2701714 (VCV002701714.3), dbSNP rs2541988270, ClinGen allele CA392257691.